The following is an entry in ClinVar:

NM_015001.3(SPEN):c.7946G>A (p.Gly2649Asp)

Gene: SPEN (spen family transcriptional repressor; plus strand). Cytogenetic location: 1p36.13.
Variant type: single nucleotide variant.
Coding change: c.7946G>A on transcript NM_015001.3 (MANE Select); coding-DNA position 7946, G replaced by A.
Protein change: p.Gly2649Asp; replaces glycine 2649 with aspartic acid.
Molecular consequence: missense variant.
Genome position (GRCh38, 1-based): chr1:15,934,186, G>A. VCF-style: chr1-15934186-G-A. GRCh37 (hg19) VCF-style: chr1-16260681-G-A.
Other names: short protein forms G2649D.
Identifiers: ClinVar variation 2446681 (VCV002446681.1), dbSNP rs2523091282, ClinGen allele CA338647884.

ClinVar aggregate classification (germline): Uncertain significance (1 of 4 stars; one submission).

Allele frequency attached by ClinVar (database versions not stated): gnomAD exomes below 0.00001.
gnomAD v4.1: 1 of 1,614,188 alleles (0.000062%); highest among the groups gnomAD compares: Non-Finnish European, 0.000085%; no homozygotes.

Submission:

GeneDx
Classification: Uncertain significance. Last evaluated: 2022-10-03. Review status: criteria provided, single submitter. Criteria: GeneDx Variant Classification Process June 2021. Collection method: clinical testing. Allele origin: germline. Affected: yes.
Comment: Not observed at significant frequency in large population cohorts (gnomAD); In silico analysis supports that this missense variant does not alter protein structure/function; Has not been previously published as pathogenic or benign to our knowledge